The following is an entry in ClinVar:

NM_001385641.1(SAMD11):c.2143G>T (p.Val715Leu)

Genes: SAMD11 (sterile alpha motif domain containing 11; plus strand), LOC129929063 (ATAC-STARR-seq lymphoblastoid active region 4; plus strand). Cytogenetic location: 1p36.33.
Variant type: single nucleotide variant.
Coding change: c.2143G>T on transcript NM_001385641.1 (MANE Select); coding-DNA position 2143, G replaced by T.
Protein change: p.Val715Leu; replaces valine 715 with leucine.
Molecular consequence: missense variant.
Genome position (GRCh38, 1-based): chr1:943,342, G>T. VCF-style: chr1-943342-G-T. GRCh37 (hg19) VCF-style: chr1-878722-G-T.
Other names: c.2146G>T, p.Val716Leu (NM_001385640.1); c.1654G>T, p.Val552Leu (NM_152486.4); short protein forms V715L, V552L, V716L.
Identifiers: ClinVar variation 1379099 (VCV001379099.3), dbSNP rs762773100, ClinGen allele CA503165.

ClinVar aggregate classification (germline): Uncertain significance (1 of 4 stars; one submission).

Allele frequency attached by ClinVar (database versions not stated): ExAC 0.00001.
gnomAD v4.1: 2 of 1,598,398 alleles (0.00013%); highest among the groups gnomAD compares: Non-Finnish European, 0.00017%; no homozygotes.

Submission:

Labcorp Genetics (formerly Invitae), Labcorp
Classification: Uncertain significance. Last evaluated: 2021-09-01. Review status: criteria provided, single submitter. Criteria: Invitae Variant Classification Sherloc (09022015). Collection method: clinical testing. Allele origin: germline.
Comment: This sequence change replaces valine with leucine at codon 552 of the SAMD11 protein (p.Val552Leu). The valine residue is highly conserved and there is a small physicochemical difference between valine and leucine. This variant is present in population databases (rs762773100, ExAC 0.002%). This variant has not been reported in the literature in individuals affected with SAMD11-related conditions. Algorithms developed to predict the effect of missense changes on protein structure and function are either unavailable or do not agree on the potential impact of this missense change (SIFT: "Deleterious"; PolyPhen-2: "Possibly Damaging"; Align-GVGD: "Class C0"). In summary, the available evidence is currently insufficient to determine the role of this variant in disease. Therefore, it has been classified as a Variant of Uncertain Significance.